The following is an entry in ClinVar:

NM_015557.3(CHD5):c.5003-5G>A

Gene: CHD5 (chromodomain helicase DNA binding protein 5; minus strand). Cytogenetic location: 1p36.31.
Variant type: single nucleotide variant.
Coding change: c.5003-5G>A on transcript NM_015557.3 (MANE Select); 5 bases into the intron before coding-DNA position 5003, G replaced by A.
Molecular consequence: intron variant.
Genome position (GRCh38, 1-based): chr1:6,112,282, C>T on the plus strand (G>A on the coding strand, the complement: CHD5 is on the minus strand). VCF-style: chr1-6112282-C-T. GRCh37 (hg19) VCF-style: chr1-6172342-C-T.
Identifiers: ClinVar variation 712824 (VCV000712824.12), dbSNP rs201350471, ClinGen allele CA555943.

ClinVar aggregate classification (germline): Likely benign. Review status: criteria provided, multiple submitters, no conflicts (2 of 4 stars). 6 submissions from 6 submitters: Likely benign (6). Last evaluated 2026-07-01.

Conditions:
CHD5-related disorder. Also called: CHD5-related condition.

Allele frequency attached by ClinVar (database versions not stated): ESP Exome Variant Server 0.00085; TOPMed 0.00114; gnomAD 0.00115 and 0.00117; ExAC 0.00126; gnomAD exomes 0.00127 and 0.00159.
gnomAD v4.1: 2,472 of 1,613,678 alleles (0.15%); highest among the groups gnomAD compares: Middle Eastern, 0.41%; 4 homozygotes.

Submissions (6):

CeGaT Center for Human Genetics Tuebingen
Classification: Likely benign. Last evaluated: 2026-07-01. Review status: criteria provided, single submitter. Criteria: CeGaT Center For Human Genetics Tuebingen Variant Classification Criteria Version 2. Collection method: clinical testing. Allele origin: germline. Affected: yes. Observed: 3 variant alleles.
Comment: CHD5: PP3, BS1

Genomic Medicine Center of Excellence, King Faisal Specialist Hospital and Research Centre
Classification: Likely benign. Last evaluated: 2025-08-18. Review status: criteria provided, single submitter. Criteria: ACMG Guidelines, 2015. Collection method: clinical testing. Allele origin: germline.

PreventionGenetics, part of Exact Sciences
Classification: Likely benign for CHD5-related condition. Last evaluated: 2024-12-19. Review status: criteria provided, single submitter. Criteria: ACMG Guidelines, 2015. Collection method: clinical testing. Allele origin: germline.
Comment: This variant is classified as likely benign based on ACMG/AMP sequence variant interpretation guidelines (Richards et al. 2015 PMID: 25741868, with internal and published modifications).

Blueprint Genetics
Classification: Likely benign. Last evaluated: 2024-11-25. Review status: criteria provided, single submitter. Criteria: ACMG Guidelines, 2015. Collection method: clinical testing. Allele origin: germline.

Labcorp Genetics (formerly Invitae), Labcorp
Classification: Likely benign. Last evaluated: 2019-12-31. Review status: criteria provided, single submitter. Criteria: Invitae Variant Classification Sherloc (09022015). Collection method: clinical testing. Allele origin: germline.

Breakthrough Genomics
Classification: Likely benign. Review status: criteria provided, single submitter. Criteria: ACMG Guidelines, 2015. Collection method: not provided. Allele origin: germline. Inheritance: Autosomal dominant inheritance. Affected: yes.